The following is an entry in ClinVar:

NM_007332.3(TRPA1):c.111+6C>T

Gene: TRPA1 (transient receptor potential cation channel subfamily A member 1; minus strand). Cytogenetic location: 8q21.11.
Variant type: single nucleotide variant.
Coding change: c.111+6C>T on transcript NM_007332.3 (MANE Select); 6 bases into the intron after coding-DNA position 111, C replaced by T.
Molecular consequence: intron variant.
Genome position (GRCh38, 1-based): chr8:72,075,293, G>A on the plus strand (C>T on the coding strand, the complement: TRPA1 is on the minus strand). VCF-style: chr8-72075293-G-A. GRCh37 (hg19) VCF-style: chr8-72987528-G-A.
Identifiers: ClinVar variation 5041483 (VCV005041483.1).

ClinVar aggregate classification (germline): Likely benign (1 of 4 stars; one submission).

Submission:

CeGaT Center for Human Genetics Tuebingen
Classification: Likely benign. Last evaluated: 2026-09-01. Review status: criteria provided, single submitter. Criteria: CeGaT Center For Human Genetics Tuebingen Variant Classification Criteria Version 2. Collection method: clinical testing. Allele origin: germline. Affected: yes. Observed: 1 variant allele.
Comment: TRPA1: BP4